The following is an entry in ClinVar:

NM_000443.4(ABCB4):c.3487-3C>A

Gene: ABCB4 (ATP binding cassette subfamily B member 4; minus strand). Cytogenetic location: 7q21.12.
Variant type: single nucleotide variant.
Coding change: c.3487-3C>A on transcript NM_000443.4 (MANE Select); 3 bases into the intron before coding-DNA position 3487, C replaced by A.
Molecular consequence: intron variant.
Genome position (GRCh38, 1-based): chr7:87,403,284, G>T on the plus strand (C>A on the coding strand, the complement: ABCB4 is on the minus strand). VCF-style: chr7-87403284-G-T. GRCh37 (hg19) VCF-style: chr7-87032600-G-T.
Other names: p.?; c.3346-3C>A (NM_018850.3); c.3508-3C>A (NM_018849.3).
Identifiers: ClinVar variation 3379768 (VCV003379768.1).

ClinVar aggregate classification (germline): Uncertain significance (1 of 4 stars; one submission).

Submission:

Mayo Clinic Laboratories, Mayo Clinic
Classification: Uncertain significance. Last evaluated: 2023-12-18. Review status: criteria provided, single submitter. Criteria: ACMG Guidelines, 2015. Collection method: clinical testing. Allele origin: germline. Observed: 1 variant allele.
Comment: PP3, PM2_moderate